The following is an entry in ClinVar:

Conditions:
Breast-ovarian cancer, familial, susceptibility to, 1 (BROVCA1). Also called: BRCA1 Hereditary Breast and Ovarian Cancer; OVARIAN CANCER, SUSCEPTIBILITY TO. Identifiers: Orphanet 145, MedGen C2676676, MONDO:0011450, OMIM 604370. Disease mechanism: loss of function.

Submission:

Brotman Baty Institute, University of Washington
No classification provided (evidence only). Condition: Breast-ovarian cancer, familial 1. Review status: no classification provided. Collection method: in vitro. Allele origin: not applicable. Functional consequence: functionally_normal.
ClinVar note: "not provided" was previously submitted as the classification for the variant. However, the classification appeared to be based only on an observation of functional data so it was converted to no classification on 2025-07-30.

NM_007294.4(BRCA1):c.-14T>G

Gene: BRCA1 (BRCA1 DNA repair associated; minus strand). Cytogenetic location: 17q21.31.
Variant type: single nucleotide variant.
Coding change: c.-14T>G on transcript NM_007294.4 (MANE Select); 14 bases upstream of the start codon, T replaced by G.
Molecular consequence: 5 prime UTR variant. On other transcripts: non-coding transcript variant (1).
Genome position (GRCh38, 1-based): chr17:43,124,110, A>C on the plus strand (T>G on the coding strand, the complement: BRCA1 is on the minus strand). VCF-style: chr17-43124110-A-C. GRCh37 (hg19) VCF-style: chr17-41276127-A-C.
Other names: c.-202T>G (NM_001407571.1, NM_001407853.1, NM_001407879.1 and 42 more transcripts); c.-14T>G (NM_001407581.1, NM_001407582.1, NM_001407583.1 and 169 more transcripts); c.-271T>G (NM_001407694.1, NM_001407724.1, NM_001407727.1 and 11 more transcripts); c.-275T>G (NM_001407695.1, NM_001408465.1); c.-416T>G (NM_001407696.1); c.-300T>G (NM_001407697.1, NM_001407846.1, NM_001407920.1); c.-101T>G (NM_001407698.1, NM_001407732.1, NM_001407736.1 and 21 more transcripts); c.-274T>G (NM_001407725.1, NM_001407730.1, NM_001407734.1 and 22 more transcripts); and 8 more.
Identifiers: ClinVar variation 864957 (VCV000864957.3), dbSNP rs273897661, ClinGen allele CA916081163.